The following is an entry in ClinVar:

NM_005612.5(REST):c.2783C>T (p.Thr928Met)

Gene: REST (RE1 silencing transcription factor; plus strand). Cytogenetic location: 4q12.
Variant type: single nucleotide variant.
Coding change: c.2783C>T on transcript NM_005612.5 (MANE Select); coding-DNA position 2783, C replaced by T.
Protein change: p.Thr928Met; replaces threonine 928 with methionine.
Molecular consequence: missense variant.
Genome position (GRCh38, 1-based): chr4:56,931,641, C>T. VCF-style: chr4-56931641-C-T. GRCh37 (hg19) VCF-style: chr4-57797807-C-T.
Other names: c.2783C>T, p.Thr928Met (NM_001193508.2, NM_001363453.3); short protein forms T928M.
Identifiers: ClinVar variation 972516 (VCV000972516.10), dbSNP rs747423176, ClinGen allele CA2932554.

ClinVar aggregate classification (germline): Uncertain significance (1 of 4 stars; one submission).

Allele frequency attached by ClinVar (database versions not stated): gnomAD 0.00001; ExAC 0.00002; gnomAD exomes 0.00002; TOPMed 0.00002.
gnomAD v4.1: 29 of 1,614,076 alleles (0.0018%); highest among the groups gnomAD compares: East Asian, 0.0045%; no homozygotes.

Submission:

Labcorp Genetics (formerly Invitae), Labcorp
Classification: Uncertain significance. Last evaluated: 2024-05-04. Review status: criteria provided, single submitter. Criteria: Invitae Variant Classification Sherloc (09022015). Collection method: clinical testing. Allele origin: germline.
Comment: This sequence change replaces threonine, which is neutral and polar, with methionine, which is neutral and non-polar, at codon 928 of the REST protein (p.Thr928Met). This variant is present in population databases (rs747423176, gnomAD 0.01%). This variant has not been reported in the literature in individuals affected with REST-related conditions. ClinVar contains an entry for this variant (Variation ID: 972516). Algorithms developed to predict the effect of missense changes on protein structure and function output the following: SIFT: "Not Available"; PolyPhen-2: "Benign"; Align-GVGD: "Not Available". The methionine amino acid residue is found in multiple mammalian species, which suggests that this missense change does not adversely affect protein function. In summary, the available evidence is currently insufficient to determine the role of this variant in disease. Therefore, it has been classified as a Variant of Uncertain Significance.